The following is an entry in ClinVar:

ClinVar aggregate classification (germline): Pathogenic. Review status: criteria provided, multiple submitters, no conflicts (2 of 4 stars). 9 submissions from 9 submitters: Pathogenic (7). 2 of the submissions do not count toward it. Last evaluated 2025-12-23.

Conditions:
APC-related disorder. Also called: APC-related condition.
Hereditary cancer-predisposing syndrome. Also called: Hereditary Cancer Syndrome; Hereditary neoplastic syndrome; Neoplastic Syndromes, Hereditary; Tumor predisposition. Identifiers: Orphanet 140162, MedGen C0027672, MeSH D009386, MONDO:0015356.
Familial multiple polyposis syndrome (FAP). Also called: Familial intestinal polyposis; Classic familial adenomatous polyposis; Familial adenomatous polyposis; Familial Adenomatous Polyposis (FAP); Familial polyposis. Identifiers: Orphanet 733, MedGen C0032580, MONDO:0021055. Disease mechanism: loss of function.
Familial adenomatous polyposis 1 (FAP1). Also called: FAMILIAL ADENOMATOUS POLYPOSIS 1, ATTENUATED; POLYPOSIS, ADENOMATOUS INTESTINAL. Identifiers: MedGen C2713442, MONDO:0021056, OMIM 175100. Disease mechanism: loss of function.

Submissions (9):

GeneDx
Classification: Pathogenic. Last evaluated: 2025-12-23. Review status: criteria provided, single submitter. Criteria: GeneDx Variant Classification Process June 2021. Collection method: clinical testing. Allele origin: germline. Affected: yes.
Comment: This variant has been reported in individuals with adenomatous polyposis in published literature (PMID: 10982189, 11960572, 23159591); Nonsense variant predicted to result in protein truncation or nonsense mediated decay in a gene for which loss of function is a known mechanism of disease; Not observed at significant frequency in large population cohorts (gnomAD); This variant is associated with the following publications: (PMID: 10982189, 11960572, 23159591, 28645942, 33788735)

Clinical Genomics Laboratory, Washington University in St. Louis
Classification: Pathogenic for Familial adenomatous polyposis 1. Last evaluated: 2023-08-19. Review status: criteria provided, single submitter. Criteria: ACMG Guidelines, 2015. Collection method: clinical testing. Allele origin: germline. Affected: yes.
Comment: The APC c.3810T>A (p.Cys1270Ter) variant has been reported in several individuals affected with familial adenomatous polyposis (Kerr SE et al., PMID: 23159591; Su LK et al., PMID: 10982189; Wu G et al., PMID: 11960572). This variant has been reported in the ClinVar database as a germline pathogenic variant by six submitters and is absent from the general population (gnomAD v.2.1.1), indicating it is not a common variant. This variant causes a premature termination codon; however, because this occurs in the last exon, this is not predicted to lead to nonsense mediated decay, but is predicted to delete more than 1500 amino acids. Based on available information and the ACMG/AMP guidelines for variant interpretation (Richards S et al., PMID: 25741868), this variant is classified as pathogenic.

Labcorp Genetics (formerly Invitae), Labcorp
Classification: Pathogenic for Familial adenomatous polyposis 1. Last evaluated: 2023-08-16. Review status: criteria provided, single submitter. Criteria: Invitae Variant Classification Sherloc (09022015). Collection method: clinical testing. Allele origin: germline.
Comment: ClinVar contains an entry for this variant (Variation ID: 217972). For these reasons, this variant has been classified as Pathogenic. A different truncation (p.Tyr2645Lysfs*14) that lies downstream of this variant has been determined to be pathogenic (PMID: 9824584, 1316610, 27081525, 8381579, 22135120, Invitae). This suggests that deletion of this region of the APC protein is causative of disease. This variant is expected to disrupt the EB1 and HDLG binding sites, which mediate interactions with the cytoskeleton (PMID: 15311282, 17293347). While functional studies have not been performed to directly test the effect on APC protein function, this suggests that disruption of the C-terminal portion of the protein is functionally important. This premature translational stop signal has been observed in individual(s) with familial adenomatous polyposis (PMID: 10982189, 23159591). This variant is not present in population databases (gnomAD no frequency). This sequence change creates a premature translational stop signal (p.Cys1270*) in the APC gene. While this is not anticipated to result in nonsense mediated decay, it is expected to disrupt the last 1574 amino acid(s) of the APC protein.

Myriad Genetics, Inc.
Classification: Pathogenic for Familial adenomatous polyposis 1. Last evaluated: 2023-05-09. Review status: criteria provided, single submitter. Criteria: Myriad Autosomal Dominant, Autosomal Recessive and X-Linked Classification Criteria (2023). Collection method: clinical testing. Allele origin: unknown.
Comment: This variant is considered pathogenic. This variant creates a termination codon and is predicted to result in premature protein truncation.

Ambry Genetics
Classification: Pathogenic for Hereditary cancer-predisposing syndrome. Last evaluated: 2022-11-02. Review status: criteria provided, single submitter. Criteria: Ambry Variant Classification Scheme 2023. Collection method: clinical testing. Allele origin: germline.
Comment: The p.C1270* pathogenic mutation (also known as c.3810T>A) located in coding exon 15 of the APC gene, results from a T to A substitution at nucleotide position 3810. This changes the amino acid from a cysteine to a stop codon within coding exon 15. This mutation has been previously identified in one kindred with FAP/AFAP (Su LK et al. Hum. Genet. 2000 Jan; 106(1):101-7). In addition to the clinical data presented in the literature, this alteration is expected to result in loss of function by premature protein truncation. As such, this alteration is interpreted as a disease-causing mutation.

Women's Health and Genetics/Laboratory Corporation of America, LabCorp
Classification: Pathogenic for Familial multiple polyposis syndrome. Last evaluated: 2022-09-01. Review status: criteria provided, single submitter. Criteria: LabCorp Variant Classification Summary - May 2015. Collection method: clinical testing. Allele origin: germline.
Comment: Variant summary: APC c.3810T>A (p.Cys1270X) results in a premature termination codon, predicted to cause a truncation of the encoded protein or absence of the protein. Truncations downstream of this position have been classified as pathogenic by our laboratory and in ClinVar. The variant was absent in 250546 control chromosomes (gnomAD). c.3810T>A has been reported in the literature in individuals affected with Familial Adenomatous Polyposis (examples: Su_2000, Wu_2001, Kerr_2013, and Findlen_2021). These data indicate that the variant is very likely to be associated with disease. Four clinical diagnostic laboratories have submitted clinical-significance assessments for this variant to ClinVar after 2014 and all classified the variant as pathogenic. Based on the evidence outlined above, the variant was classified as pathogenic.

Quest Diagnostics Nichols Institute San Juan Capistrano
Classification: Pathogenic. Last evaluated: 2020-05-31. Review status: criteria provided, single submitter. Criteria: Quest Diagnostics criteria. Collection method: clinical testing. Allele origin: unknown.
Comment: The variant creates a premature nonsense codon, and is therefore predicted to result in the loss of a functional protein. Found in at least one patient with expected phenotype for this gene, and not found in general population data.

PreventionGenetics, part of Exact Sciences
Classification: Pathogenic for APC-related condition. Last evaluated: 2024-02-05. Review status: no assertion criteria provided. Collection method: clinical testing. Allele origin: germline. Not counted in ClinVar's aggregate classification.
Comment: The APC c.3810T>A variant is predicted to result in premature protein termination (p.Cys1270*). This nonsense variant is located in the last exon of the APC gene and is expected to disrupt the last 1574 amino acid(s) of the APC protein. This variant has been reported in individuals with Familial Adenomatous Polyposis (examples: Kerr SE et al 2012. PubMed ID: 23159591). This variant has not been reported in a large population database, indicating this variant is rare. This variant is interpreted as pathogenic in ClinVar. This variant is interpreted as pathogenic.

Mayo Clinic Laboratories, Mayo Clinic
Classification: Pathogenic. Review status: no assertion criteria provided. Collection method: research. Allele origin: unknown. Observed: 1 variant allele. Not counted in ClinVar's aggregate classification.

Literature cited by the submitters: PubMed 9824584 (cited by Labcorp Genetics (formerly Invitae), Labcorp); PubMed 1316610 (cited by Labcorp Genetics (formerly Invitae), Labcorp); PubMed 27081525 (cited by Labcorp Genetics (formerly Invitae), Labcorp); PubMed 8381579 (cited by Labcorp Genetics (formerly Invitae), Labcorp); PubMed 22135120 (cited by Labcorp Genetics (formerly Invitae), Labcorp); PubMed 15311282 (cited by Labcorp Genetics (formerly Invitae), Labcorp); PubMed 17293347 (cited by Labcorp Genetics (formerly Invitae), Labcorp); PubMed 10982189 (cited by 4 submitters); PubMed 23159591 (cited by 3 submitters); PubMed 11960572 (cited by Women's Health and Genetics/Laboratory Corporation of America, LabCorp); PubMed 33788735 (cited by Women's Health and Genetics/Laboratory Corporation of America, LabCorp).

NM_000038.6(APC):c.3810T>A (p.Cys1270Ter)

Gene: APC (APC regulator of Wnt signaling pathway; plus strand). Cytogenetic location: 5q22.2.
Variant type: single nucleotide variant.
Coding change: c.3810T>A on transcript NM_000038.6 (MANE Select); coding-DNA position 3810, T replaced by A.
Protein change: p.Cys1270Ter; replaces cysteine 1270 with a stop codon.
Molecular consequence: nonsense.
Genome position (GRCh38, 1-based): chr5:112,839,404, T>A. VCF-style: chr5-112839404-T-A. GRCh37 (hg19) VCF-style: chr5-112175101-T-A.
Other names: c.3810T>A, p.Cys1270Ter (NM_001127510.3, NM_001354895.2); c.3756T>A, p.Cys1252Ter (NM_001127511.3); c.3864T>A, p.Cys1288Ter (NM_001354896.2); c.3840T>A, p.Cys1280Ter (NM_001354897.2); c.3735T>A, p.Cys1245Ter (NM_001354898.2); c.3726T>A, p.Cys1242Ter (NM_001354899.2); c.3687T>A, p.Cys1229Ter (NM_001354900.2); c.3633T>A, p.Cys1211Ter (NM_001354901.2); and 5 more; short protein forms C1252*, C1270*, C1169*, C1211*, C1242*, C1245*, C1288*, C1179*.
Identifiers: ClinVar variation 217972 (VCV000217972.28), dbSNP rs863225347, ClinGen allele CA279753.